The following is an entry in ClinVar:

NM_007272.3(CTRC):c.289G>C (p.Glu97Gln)

Gene: CTRC (chymotrypsin C; plus strand). Cytogenetic location: 1p36.21.
Variant type: single nucleotide variant.
Coding change: c.289G>C on transcript NM_007272.3 (MANE Select); coding-DNA position 289, G replaced by C.
Protein change: p.Glu97Gln; replaces glutamic acid 97 with glutamine.
Molecular consequence: missense variant.
Genome position (GRCh38, 1-based): chr1:15,442,505, G>C. VCF-style: chr1-15442505-G-C. GRCh37 (hg19) VCF-style: chr1-15769001-G-C.
Other names: short protein forms E97Q.
Identifiers: ClinVar variation 1797402 (VCV001797402.2), dbSNP rs2526294526, ClinGen allele CA338565450.

ClinVar aggregate classification (germline): Uncertain significance (1 of 4 stars; one submission).

Conditions:
Hereditary pancreatitis (PCTT). Also called: Hereditary chronic pancreatitis; PRSS1-Related Hereditary Pancreatitis. Identifiers: Orphanet 676, MedGen C0238339, MONDO:0008185, OMIM 167800.

Submission:

Ambry Genetics
Classification: Uncertain significance for Hereditary pancreatitis. Last evaluated: 2022-07-15. Review status: criteria provided, single submitter. Criteria: Ambry Variant Classification Scheme 2023. Collection method: clinical testing. Allele origin: germline.
Comment: The p.E97Q variant (also known as c.289G>C), located in coding exon 4 of the CTRC gene, results from a G to C substitution at nucleotide position 289. The glutamic acid at codon 97 is replaced by glutamine, an amino acid with highly similar properties. This amino acid position is conserved. In addition, this alteration is predicted to be tolerated by in silico analysis. Since supporting evidence is limited at this time, the clinical significance of this alteration remains unclear.